The following is an entry in ClinVar:

NM_015999.6(ADIPOR1):c.215A>G (p.Gln72Arg)

Gene: ADIPOR1 (adiponectin receptor 1; minus strand). Cytogenetic location: 1q32.1.
Variant type: single nucleotide variant.
Coding change: c.215A>G on transcript NM_015999.6 (MANE Select); coding-DNA position 215, A replaced by G.
Protein change: p.Gln72Arg; replaces glutamine 72 with arginine.
Molecular consequence: missense variant.
Genome position (GRCh38, 1-based): chr1:202,948,347, T>C on the plus strand (A>G on the coding strand, the complement: ADIPOR1 is on the minus strand). VCF-style: chr1-202948347-T-C. GRCh37 (hg19) VCF-style: chr1-202917475-T-C.
Other names: c.215A>G, p.Gln72Arg (NM_001290553.2, NM_001290557.1, NM_001290629.1); short protein forms Q72R.
Identifiers: ClinVar variation 3610154 (VCV003610154.3).

ClinVar aggregate classification (germline): Uncertain significance. Review status: criteria provided, multiple submitters, no conflicts (2 of 4 stars). 2 submissions from 2 submitters: Uncertain significance (2). Last evaluated 2024-03-19.

gnomAD v4.1: 31 of 1,613,828 alleles (0.0019%); highest among the groups gnomAD compares: Non-Finnish European, 0.0026%; no homozygotes.

Submissions (2):

Labcorp Genetics (formerly Invitae), Labcorp
Classification: Uncertain significance. Last evaluated: 2024-03-19. Review status: criteria provided, single submitter. Criteria: Invitae Variant Classification Sherloc (09022015). Collection method: clinical testing. Allele origin: germline.
Comment: This sequence change replaces glutamine, which is neutral and polar, with arginine, which is basic and polar, at codon 72 of the ADIPOR1 protein (p.Gln72Arg). This variant is present in population databases (no rsID available, gnomAD 0.002%). This variant has not been reported in the literature in individuals affected with ADIPOR1-related conditions. An algorithm developed to predict the effect of missense changes on protein structure and function (PolyPhen-2) suggests that this variant is likely to be tolerated. In summary, the available evidence is currently insufficient to determine the role of this variant in disease. Therefore, it has been classified as a Variant of Uncertain Significance.

Blueprint Genetics
Classification: Uncertain significance. Last evaluated: 2020-12-28. Review status: criteria provided, single submitter. Criteria: ACMG Guidelines, 2015. Collection method: clinical testing. Allele origin: germline.